The following is an entry in ClinVar:

ClinVar aggregate classification (germline): Uncertain significance (1 of 4 stars; one submission).

Conditions:
Hereditary cancer-predisposing syndrome. Also called: Tumor predisposition; Neoplastic Syndromes, Hereditary; Hereditary Cancer Syndrome; Hereditary neoplastic syndrome. Identifiers: Orphanet 140162, MedGen C0027672, MeSH D009386, MONDO:0015356.

Submission:

Molecular Diagnostics Laboratory, Catalan Institute of Oncology
Classification: Uncertain significance for Hereditary cancer-predisposing syndrome. Last evaluated: 2025-01-14. Review status: criteria provided, single submitter. Criteria: ACMG Guidelines, 2015. Collection method: clinical testing. Allele origin: germline.
Comment: PM2_Supporting, BP4 RNF43 c.376-11_376-10dup is an intronic variant located close to a canonical splice site.It is not present in the population database gnomAD v2.1.1, non cancer dataset (PM2_Supporting). SpliceAI algorithm predicts no significant impact on splicing (BP4). To our knowledge, neither clinical data nor functional studies have been reported for this variant. This variant is not present in the ClinVar neither in LOVD databases. Based on currently available information, the variant c.376-11_376-10dup is classified as an uncertain significance variant according to ACMG guidelines.

NM_017763.6(RNF43):c.376-15TG[4]

Gene: RNF43 (ring finger protein 43; minus strand). Cytogenetic location: 17q22.
Variant type: Microsatellite.
Coding change: c.376-15TG[4] on transcript NM_017763.6 (MANE Select); four copies in a row of the 2-base unit TG starting at c.376-15; the reference has three copies in a row; one copy, 2 bases duplicated.
Molecular consequence: intron variant.
Genome position (GRCh38, 1-based): chr17:58,363,610-58,363,611, CA duplicated on the plus strand (TG on the coding strand, the reverse complement: RNF43 is on the minus strand); duplicating any 2 consecutive bases within chr17:58,363,610-58,363,615 gives the same sequence; the position shown is the placement nearest the transcript's 3' end. VCF-style (leftmost placement, unchanged base first): chr17-58363609-G-GCA. GRCh37 (hg19) VCF-style: chr17-56440970-G-GCA.
Other names: c.376-15TG[4] (NM_001438822.1, NM_001305544.3, NM_001438820.1 and 1 more transcripts); c.-6-15TG[4] (NM_001305545.2, NM_001437987.1).
Identifiers: ClinVar variation 3891303 (VCV003891303.1).
Genomic context (GRCh38, chr17:58,363,609, plus strand): 5'-CAGTGATGTCAAAGAGGACAGCACTGGCTCCTCGCTCACCCGCCATCCGAGCCTGCAGAG[G>GCA]CACACAGTAGAGGTTGGGCTGAGGTCAGGGAAGGACAGAGCCCACCCACAGGCTAGCCTC-3'